The following is an entry in ClinVar:

ClinVar aggregate classification (germline): Uncertain significance. Review status: criteria provided, multiple submitters, no conflicts (2 of 4 stars). 2 submissions from 2 submitters: Uncertain significance (2). Last evaluated 2024-01-23.

Allele frequency attached by ClinVar (database versions not stated): gnomAD 0.00001; gnomAD exomes 0.00001; ExAC 0.00002; TOPMed 0.00006; 1000 Genomes Project 30x 0.00016; 1000 Genomes Project 0.00020.
gnomAD v4.1: 9 of 1,611,600 alleles (0.00056%); highest among the groups gnomAD compares: East Asian, 0.02%; no homozygotes.

Submissions (2):

Ambry Genetics
Classification: Uncertain significance. Last evaluated: 2024-01-23. Review status: criteria provided, single submitter. Criteria: Ambry Variant Classification Scheme 2023. Collection method: clinical testing. Allele origin: germline.

Labcorp Genetics (formerly Invitae), Labcorp
Classification: Uncertain significance. Last evaluated: 2023-06-14. Review status: criteria provided, single submitter. Criteria: Invitae Variant Classification Sherloc (09022015). Collection method: clinical testing. Allele origin: germline.
Comment: This sequence change replaces asparagine, which is neutral and polar, with serine, which is neutral and polar, at codon 301 of the IRF9 protein (p.Asn301Ser). This variant is present in population databases (rs200364726, gnomAD 0.02%). In summary, the available evidence is currently insufficient to determine the role of this variant in disease. Therefore, it has been classified as a Variant of Uncertain Significance. Algorithms developed to predict the effect of missense changes on protein structure and function output the following: SIFT: "Not Available"; PolyPhen-2: "Benign"; Align-GVGD: "Not Available". The serine amino acid residue is found in multiple mammalian species, which suggests that this missense change does not adversely affect protein function. This variant has not been reported in the literature in individuals affected with IRF9-related conditions.

NM_006084.5(IRF9):c.902A>G (p.Asn301Ser)

Gene: IRF9 (interferon regulatory factor 9; plus strand). Cytogenetic location: 14q12.
Variant type: single nucleotide variant.
Coding change: c.902A>G on transcript NM_006084.5 (MANE Select); coding-DNA position 902, A replaced by G.
Protein change: p.Asn301Ser; replaces asparagine 301 with serine.
Molecular consequence: missense variant. On other transcripts: intron variant (1).
Genome position (GRCh38, 1-based): chr14:24,164,866, A>G. VCF-style: chr14-24164866-A-G. GRCh37 (hg19) VCF-style: chr14-24634075-A-G.
Other names: c.902A>G (NM_006084.4); c.929A>G, p.Asn310Ser (NM_001385400.1, NM_001385401.1); c.650-11A>G (NM_001385402.1); short protein forms N301S, N310S.
Identifiers: ClinVar variation 2994075 (VCV002994075.4), dbSNP rs200364726, ClinGen allele CA7126575.